The following is an entry in ClinVar:

NM_003737.4(DCHS1):c.3640G>C (p.Ala1214Pro)

Gene: DCHS1 (dachsous cadherin-related 1; minus strand). Cytogenetic location: 11p15.4.
Variant type: single nucleotide variant.
Coding change: c.3640G>C on transcript NM_003737.4 (MANE Select); coding-DNA position 3640, G replaced by C.
Protein change: p.Ala1214Pro; replaces alanine 1214 with proline.
Molecular consequence: missense variant.
Genome position (GRCh38, 1-based): chr11:6,631,651, C>G on the plus strand (G>C on the coding strand, the complement: DCHS1 is on the minus strand). VCF-style: chr11-6631651-C-G. GRCh37 (hg19) VCF-style: chr11-6652882-C-G.
Other names: short protein forms A1214P.
Identifiers: ClinVar variation 2976962 (VCV002976962.3), dbSNP rs949456473, ClinGen allele CA217299127.

ClinVar aggregate classification (germline): Uncertain significance (1 of 4 stars; one submission).

Allele frequency attached by ClinVar (database versions not stated): gnomAD 0.00002; TOPMed 0.00002.
gnomAD v4.1: 19 of 1,597,978 alleles (0.0012%); highest among the groups gnomAD compares: African/African-American, 0.0081%; no homozygotes.

Submission:

Labcorp Genetics (formerly Invitae), Labcorp
Classification: Uncertain significance. Last evaluated: 2025-01-25. Review status: criteria provided, single submitter. Criteria: Invitae Variant Classification Sherloc (09022015). Collection method: clinical testing. Allele origin: germline.
Comment: This sequence change replaces alanine, which is neutral and non-polar, with proline, which is neutral and non-polar, at codon 1214 of the DCHS1 protein (p.Ala1214Pro). This variant is present in population databases (no rsID available, gnomAD 0.003%). This variant has not been reported in the literature in individuals affected with DCHS1-related conditions. ClinVar contains an entry for this variant (Variation ID: 2976962). Invitae Evidence Modeling of protein sequence and biophysical properties (such as structural, functional, and spatial information, amino acid conservation, physicochemical variation, residue mobility, and thermodynamic stability) indicates that this missense variant is not expected to disrupt DCHS1 protein function with a negative predictive value of 80%. In summary, the available evidence is currently insufficient to determine the role of this variant in disease. Therefore, it has been classified as a Variant of Uncertain Significance.